The following is an entry in ClinVar:

NM_058216.3(RAD51C):c.-19G>T

Gene: RAD51C (RAD51 paralog C; plus strand). Cytogenetic location: 17q22.
Variant type: single nucleotide variant.
Coding change: c.-19G>T on transcript NM_058216.3 (MANE Select); 19 bases upstream of the start codon, G replaced by T.
Molecular consequence: 5 prime UTR variant. On other transcripts: non-coding transcript variant (2).
Genome position (GRCh38, 1-based): chr17:58,692,625, G>T. VCF-style: chr17-58692625-G-T. GRCh37 (hg19) VCF-style: chr17-56769986-G-T.
Other names: c.-19G>T (NM_002876.4).
Identifiers: ClinVar variation 492355 (VCV000492355.12), dbSNP rs375889604, ClinGen allele CA8677108.
Genomic context (GRCh38, chr17:58,692,625, plus strand): 5'-TTACGTCTGACGTCACGCCGCACGCCCCAGCGAGGGCGTGCGGAGTTTGGCTGCTCCGGG[G>T]TTAGCAGGTGAGCCTGCGATGCGCGGGAAGACGTTCCGCTTTGAAATGCAGCGGGATTTG-3'

ClinVar aggregate classification (germline): Conflicting classifications of pathogenicity. Review status: criteria provided, conflicting classifications (1 of 4 stars). 3 submissions from 3 submitters: Uncertain significance (2); Likely benign (1). Last evaluated 2021-01-22.

Conditions:
Hereditary cancer-predisposing syndrome. Also called: Tumor predisposition; Neoplastic Syndromes, Hereditary; Hereditary Cancer Syndrome; Hereditary neoplastic syndrome. Identifiers: Orphanet 140162, MedGen C0027672, MeSH D009386, MONDO:0015356.
Fanconi anemia complementation group O. Also called: RAD51C-Related Fanconi Anemia. Identifiers: Orphanet 84, MedGen C3150653, MONDO:0013248, OMIM 613390.

Allele frequency attached by ClinVar (database versions not stated): TOPMed 0.00001.
gnomAD v4.1: 4 of 1,613,644 alleles (0.00025%); highest among the groups gnomAD compares: Non-Finnish European, 0.000085%; no homozygotes.

Submissions (3):

Labcorp Genetics (formerly Invitae), Labcorp
Classification: Uncertain significance for Fanconi anemia complementation group O. Last evaluated: 2021-01-22. Review status: criteria provided, single submitter. Criteria: Invitae Variant Classification Sherloc (09022015). Collection method: clinical testing. Allele origin: germline.
Comment: This variant occurs in a non-coding region of the RAD51C gene. It does not change the encoded amino acid sequence of the RAD51C protein. In summary, the available evidence is currently insufficient to determine the role of this variant in disease. Therefore, it has been classified as a Variant of Uncertain Significance. Experimental studies and prediction algorithms are not available or were not evaluated, and the functional significance of this variant is currently unknown. This variant has been observed in individual(s) with colorectal cancer (PMID: 28135145). ClinVar contains an entry for this variant (Variation ID: 492355). This variant is present in population databases (rs375889604, ExAC 0.002%).

Color Diagnostics, LLC DBA Color Health
Classification: Uncertain significance for Hereditary cancer-predisposing syndrome. Last evaluated: 2019-04-03. Review status: criteria provided, single submitter. Criteria: ACMG Guidelines, 2015. Collection method: clinical testing. Allele origin: germline.

GeneDx
Classification: Likely benign. Last evaluated: 2017-11-30. Review status: criteria provided, single submitter. Criteria: GeneDx Variant Classification (06012015). Collection method: clinical testing. Allele origin: germline. Affected: yes.
Comment: This variant is considered likely benign or benign based on one or more of the following criteria: it is a conservative change, it occurs at a poorly conserved position in the protein, it is predicted to be benign by multiple in silico algorithms, and/or has population frequency not consistent with disease.

Literature cited by the submitters: PubMed 28135145 (cited by Labcorp Genetics (formerly Invitae), Labcorp).